The following is an entry in ClinVar:

ClinVar aggregate classification (germline): Uncertain significance (1 of 4 stars; one submission).

Submission:

GeneDx
Classification: Uncertain significance. Last evaluated: 2022-01-19. Review status: criteria provided, single submitter. Criteria: GeneDx Variant Classification Process June 2021. Collection method: clinical testing. Allele origin: germline. Affected: yes.
Comment: Not observed at significant frequency in large population cohorts (gnomAD); In silico analysis supports that this missense variant has a deleterious effect on protein structure/function; Has not been previously published as pathogenic or benign to our knowledge

NM_198880.3(QRICH1):c.2257A>G (p.Met753Val)

Gene: QRICH1 (glutamine rich 1; minus strand). Cytogenetic location: 3p21.31.
Variant type: single nucleotide variant.
Coding change: c.2257A>G on transcript NM_198880.3 (MANE Select); coding-DNA position 2257, A replaced by G.
Protein change: p.Met753Val; replaces methionine 753 with valine.
Molecular consequence: missense variant.
Genome position (GRCh38, 1-based): chr3:49,030,526, T>C on the plus strand (A>G on the coding strand, the complement: QRICH1 is on the minus strand). VCF-style: chr3-49030526-T-C. GRCh37 (hg19) VCF-style: chr3-49067959-T-C.
Other names: c.2257A>G, p.Met753Val (NM_001320580.2, NM_001320581.2, NM_001320582.2 and 4 more transcripts); short protein forms M753V.
Identifiers: ClinVar variation 1698137 (VCV001698137.2), dbSNP rs2106801893, ClinGen allele CA352750746.